The following is an entry in ClinVar:

ClinVar aggregate classification (germline): Conflicting classifications of pathogenicity. Review status: criteria provided, conflicting classifications (1 of 4 stars). 2 submissions from 2 submitters: Uncertain significance (1); Likely benign (1). Last evaluated 2023-03-23.

Conditions:
Hereditary cancer-predisposing syndrome. Also called: Neoplastic Syndromes, Hereditary; Tumor predisposition; Hereditary Cancer Syndrome; Hereditary neoplastic syndrome. Identifiers: Orphanet 140162, MedGen C0027672, MeSH D009386, MONDO:0015356.

Submissions (2):

University of Washington Department of Laboratory Medicine, University of Washington
Classification: Likely benign for Hereditary cancer-predisposing syndrome. Last evaluated: 2023-03-23. Review status: criteria provided, single submitter. Criteria: Dines et al. (Genet Med. 2020). Collection method: curation. Allele origin: germline.
Comment: Missense variant in a coldspot region where missense variants are very unlikely to be pathogenic (PMID:31911673).

BRCA2 exon 11 coldspot. Reclassification based on statistical prior probability.

Ambry Genetics
Classification: Uncertain significance for Hereditary cancer-predisposing syndrome. Last evaluated: 2021-04-01. Review status: criteria provided, single submitter. Criteria: Ambry Variant Classification Scheme 2023. Collection method: clinical testing. Allele origin: germline.
Comment: The p.D1345Y variant (also known as c.4033G>T), located in coding exon 10 of the BRCA2 gene, results from a G to T substitution at nucleotide position 4033. The aspartic acid at codon 1345 is replaced by tyrosine, an amino acid with highly dissimilar properties. This amino acid position is not well conserved in available vertebrate species. In addition, this alteration is predicted to be tolerated by in silico analysis. Since supporting evidence is limited at this time, the clinical significance of this alteration remains unclear.

NM_000059.4(BRCA2):c.4033G>T (p.Asp1345Tyr)

Gene: BRCA2 (BRCA2 DNA repair associated; plus strand). Cytogenetic location: 13q13.1.
Variant type: single nucleotide variant.
Coding change: c.4033G>T on transcript NM_000059.4 (MANE Select); coding-DNA position 4033, G replaced by T.
Protein change: p.Asp1345Tyr; replaces aspartic acid 1345 with tyrosine.
Molecular consequence: missense variant.
Genome position (GRCh38, 1-based): chr13:32,338,388, G>T. VCF-style: chr13-32338388-G-T. GRCh37 (hg19) VCF-style: chr13-32912525-G-T.
Other names: c.4033G>T, p.Asp1345Tyr (NM_001406719.1, NM_001406720.1); short protein forms D1345Y.
Identifiers: ClinVar variation 1737221 (VCV001737221.4), dbSNP rs1555283516, ClinGen allele CA387779072.
Genomic context (GRCh38, chr13:32,338,388, plus strand): 5'-ACTGCTGCCAGTAGAAATTCTCATAACTTAGAATTTGATGGCAGTGATTCAAGTAAAAAT[G>T]ATACTGTTTGTATTCATAAAGATGAAACGGACTTGCTATTTACTGATCAGCACAACATAT-3'
Protein context (NP_000050.3, residues 1335-1355): EFDGSDSSKN[Asp1345Tyr]TVCIHKDETD